The following is an entry in ClinVar:

NM_002218.5(ITIH4):c.2184C>T (p.Pro728=)

Gene: ITIH4 (inter-alpha-trypsin inhibitor heavy chain 4; minus strand). Cytogenetic location: 3p21.1.
Variant type: single nucleotide variant.
Coding change: c.2184C>T on transcript NM_002218.5 (MANE Select); coding-DNA position 2184, C replaced by T.
Protein change: p.Pro728=; no amino-acid change (proline 728 retained).
Molecular consequence: synonymous variant.
Genome position (GRCh38, 1-based): chr3:52,818,164, G>A on the plus strand (C>T on the coding strand, the complement: ITIH4 is on the minus strand). VCF-style: chr3-52818164-G-A. GRCh37 (hg19) VCF-style: chr3-52852180-G-A.
Other names: c.2094C>T, p.Pro698= (NM_001166449.2).
Identifiers: ClinVar variation 748950 (VCV000748950.5), dbSNP rs146853969, ClinGen allele CA2449046.

ClinVar aggregate classification (germline): Benign. Review status: criteria provided, single submitter (1 of 4 stars). 2 submissions from 2 submitters: Benign (1). 1 of the submissions does not count toward it. Last evaluated 2018-05-31.

Conditions:
ITIH4-related disorder. Also called: ITIH4-related condition.

Allele frequency attached by ClinVar (database versions not stated): gnomAD exomes 0.00020; ExAC 0.00028; ESP Exome Variant Server 0.00054; gnomAD 0.00074 and 0.00077; TOPMed 0.00080; 1000 Genomes Project 30x 0.00156; 1000 Genomes Project 0.00160.
gnomAD v4.1: 204 of 1,611,338 alleles (0.013%); highest among the groups gnomAD compares: African/African-American, 0.25%; no homozygotes.

Submissions (2):

Labcorp Genetics (formerly Invitae), Labcorp
Classification: Benign. Last evaluated: 2018-05-31. Review status: criteria provided, single submitter. Criteria: Invitae Variant Classification Sherloc (09022015). Collection method: clinical testing. Allele origin: germline.

PreventionGenetics, part of Exact Sciences
Classification: Likely benign for ITIH4-related condition. Last evaluated: 2019-11-26. Review status: no assertion criteria provided. Collection method: clinical testing. Allele origin: germline. Not counted in ClinVar's aggregate classification.
Comment: This variant is classified as likely benign based on ACMG/AMP sequence variant interpretation guidelines (Richards et al. 2015 PMID: 25741868, with internal and published modifications).